The following is an entry in ClinVar:

ClinVar aggregate classification (germline): Pathogenic/Likely pathogenic. Review status: criteria provided, multiple submitters, no conflicts (2 of 4 stars). 4 submissions from 4 submitters: Pathogenic (2); Likely pathogenic (1). 1 of the submissions does not count toward it. Last evaluated 2025-09-16.

Conditions:
Agenesis of corpus callosum, cardiac, ocular, and genital syndrome. Identifiers: MedGen C5394523, MONDO:0030065, OMIM 618929.
Multiple congenital anomalies/dysmorphic syndrome-intellectual disability. Identifiers: Orphanet 102283, MedGen C5680372, MONDO:0015159.

Submissions (4):

GeneDx
Classification: Pathogenic. Last evaluated: 2025-09-16. Review status: criteria provided, single submitter. Criteria: GeneDx Variant Classification Process June 2021. Collection method: clinical testing. Allele origin: germline. Affected: yes.
Comment: Canonical splice site variant predicted to result in an in-frame loss of the adjacent exon in a gene for which loss of function is a known mechanism of disease; Not observed at significant frequency in large population cohorts (gnomAD); This variant is associated with the following publications: (PMID: 31650526, Cronbach2025[article])

Labcorp Genetics (formerly Invitae), Labcorp
Classification: Likely pathogenic. Last evaluated: 2024-05-17. Review status: criteria provided, single submitter. Criteria: Invitae Variant Classification Sherloc (09022015). Collection method: clinical testing. Allele origin: germline.
Comment: This sequence change affects a donor splice site in intron 5 of the CDH2 gene. It is expected to disrupt RNA splicing. Variants that disrupt the donor or acceptor splice site typically lead to a loss of protein function (PMID: 16199547), however the current clinical and genetic evidence is not sufficient to establish whether loss-of-function variants in CDH2 cause disease. This variant is not present in population databases (gnomAD no frequency). Disruption of this splice site has been observed in individual(s) with ACOG syndrome (PMID: 31650526). In at least one individual the variant was observed to be de novo. ClinVar contains an entry for this variant (Variation ID: 929854). Algorithms developed to predict the effect of sequence changes on RNA splicing suggest that this variant may disrupt the consensus splice site. In summary, the currently available evidence indicates that the variant is pathogenic, but additional data are needed to prove that conclusively. Therefore, this variant has been classified as Likely Pathogenic.

AURAGEN, Plan France Médecine Génomique
Classification: Pathogenic for Multiple congenital anomalies/dysmorphic syndrome-intellectual disability. Last evaluated: 2020-11-04. Review status: criteria provided, single submitter. Criteria: PFMG2025 (Lancet Reg Health Eur. 2025). Collection method: clinical testing. Allele origin: germline. Affected: yes.

OMIM
Classification: Pathogenic for AGENESIS OF CORPUS CALLOSUM, CARDIAC, OCULAR, AND GENITAL SYNDROME. Last evaluated: 2020-06-26. Review status: no assertion criteria provided. Collection method: literature only. Allele origin: germline. Not counted in ClinVar's aggregate classification.

Literature cited by the submitters: PubMed 16199547 (cited by Labcorp Genetics (formerly Invitae), Labcorp); PubMed 31650526 (cited by Labcorp Genetics (formerly Invitae), Labcorp and OMIM).

NM_001792.5(CDH2):c.702+1G>A

Gene: CDH2 (cadherin 2; minus strand). Cytogenetic location: 18q12.1.
Variant type: single nucleotide variant.
Coding change: c.702+1G>A on transcript NM_001792.5 (MANE Select); the canonical splice donor site of the intron after coding-DNA position 702, G replaced by A.
Molecular consequence: splice donor variant.
Genome position (GRCh38, 1-based): chr18:28,009,716, C>T on the plus strand (G>A on the coding strand, the complement: CDH2 is on the minus strand). VCF-style: chr18-28009716-C-T. GRCh37 (hg19) VCF-style: chr18-25589680-C-T.
Other names: IVSDS, G-A, +1; c.609+1G>A (NM_001308176.2).
Identifiers: ClinVar variation 929854 (VCV000929854.8), dbSNP rs2013040501, ClinGen allele CA402243390.
Genomic context (GRCh38, chr18:28,009,716, plus strand): 5'-TAAACTCTGCAGACATTTAGAACTGTTAATACACAGAATTATCAGCTGGTTGGAATCTTA[C>T]ATGAAACCGGGCTATCTGCTCGCGATCCAGGGGCTTTGTCACCGACAGCTGACCCGAGAT-3'